The following is an entry in ClinVar:

NM_001829.4(CLCN3):c.2237C>T (p.Pro746Leu)

Gene: CLCN3 (chloride voltage-gated channel 3; plus strand). Cytogenetic location: 4q33.
Variant type: single nucleotide variant.
Coding change: c.2237C>T on transcript NM_001829.4 (MANE Select); coding-DNA position 2237, C replaced by T.
Protein change: p.Pro746Leu; replaces proline 746 with leucine.
Molecular consequence: missense variant.
Genome position (GRCh38, 1-based): chr4:169,713,166, C>T. VCF-style: chr4-169713166-C-T. GRCh37 (hg19) VCF-style: chr4-170634317-C-T.
Other names: c.2156C>T, p.Pro719Leu (NM_001243372.2, NM_001243374.2); c.2237C>T, p.Pro746Leu (NM_173872.4); short protein forms P719L, P746L.
Identifiers: ClinVar variation 4535763 (VCV004535763.1).

ClinVar aggregate classification (germline): Uncertain significance (1 of 4 stars; one submission).

gnomAD v4.1: 2 of 1,614,106 alleles (0.00012%); highest among the groups gnomAD compares: South Asian, 0.0011%; no homozygotes.

Submission:

Women's Health and Genetics/Laboratory Corporation of America, LabCorp
Classification: Uncertain significance. Last evaluated: 2025-09-04. Review status: criteria provided, single submitter. Criteria: LabCorp Variant Classification Summary - May 2015. Collection method: clinical testing. Allele origin: germline.
Comment: Variant summary: CLCN3 c.2237C>T (p.Pro746Leu) results in a non-conservative amino acid change in the encoded protein sequence. Algorithms developed to predict the effect of missense changes on protein structure and function all suggest that this variant is likely to be disruptive. The variant was absent in 251368 control chromosomes. The available data on variant occurrences in the general population are insufficient to allow any conclusion about variant significance. To our knowledge, no occurrence of c.2237C>T in individuals affected with CLCN3-related conditions and no experimental evidence demonstrating its impact on protein function have been reported. No submitters have cited clinical-significance assessments for this variant to ClinVar. Based on the evidence outlined above, the variant was classified as uncertain significance.